The following is an entry in ClinVar:

ClinVar aggregate classification (germline): Likely pathogenic (1 of 4 stars; one submission).

Submission:

Mayo Clinic Laboratories, Mayo Clinic
Classification: Likely pathogenic. Last evaluated: 2022-11-10. Review status: criteria provided, single submitter. Criteria: ACMG Guidelines, 2015. Collection method: clinical testing. Allele origin: germline. Observed: 1 variant allele.
Comment: PM2, PVS1

NM_000535.7(PMS2):c.1452del (p.Thr485fs)

Gene: PMS2 (PMS1 homolog 2, mismatch repair system component; minus strand). Cytogenetic location: 7p22.1.
Variant type: Deletion.
Coding change: c.1452del on transcript NM_000535.7 (MANE Select); coding-DNA position 1452, one base deleted (T; older notation c.1452delT).
Protein change: p.Thr485fs; shifts the reading frame from threonine 485.
Molecular consequence: frameshift variant. On other transcripts: non-coding transcript variant (1), intron variant (1).
Genome position (GRCh38, 1-based): chr7:5,987,313, A deleted on the plus strand (T on the coding strand, the reverse complement: PMS2 is on the minus strand). VCF-style (leftmost placement, unchanged base first): chr7-5987312-TA-T. GRCh37 (hg19) VCF-style: chr7-6026943-TA-T.
Other names: p.Thr485Argfs*110; c.1047delT, p.Thr350Argfs (NM_001018040.1); c.1047del, p.Thr350fs (NM_001322003.2, NM_001322004.2, NM_001322005.2 and 16 more transcripts); c.1296del, p.Thr433fs (NM_001322006.2, NM_001406870.1); c.1134del, p.Thr379fs (NM_001322007.2, NM_001322008.2, NM_001406876.1 and 2 more transcripts); c.891del, p.Thr298fs (NM_001322010.2, NM_001406906.1, NM_001406907.1); c.519del, p.Thr174fs (NM_001322011.2, NM_001322012.2); c.879del, p.Thr294fs (NM_001322013.2, NM_001406909.1); and 15 more; short protein forms T174fs, T228fs, T294fs, T298fs, T314fs, T327fs, T330fs, T350fs.
Identifiers: ClinVar variation 2682874 (VCV002682874.1), dbSNP rs2535788710, ClinGen allele CA2697553879.
Genomic context (GRCh38, chr7:5,987,312, plus strand): 5'-CCTCAGAATCCACGGAAGTGCTGCCGTGCCCCGAGTCCTTCTCCACCTCCGCTCTGTCCG[TA>T]GGGTCACTGGGTCCGTGACTGGAACTCACTGCCTCTTTCTGAGGTCTCAGGACGCCTTTG-3'